The following is an entry in ClinVar:

NM_000548.5(TSC2):c.2916_2922del (p.Glu973fs)

Gene: TSC2 (TSC complex subunit 2; plus strand). Cytogenetic location: 16p13.3.
Variant type: Deletion.
Coding change: c.2916_2922del on transcript NM_000548.5 (MANE Select); coding-DNA positions 2916 to 2922, 7 bases deleted (CGAGGCC; older notation c.2916_2922delCGAGGCC).
Protein change: p.Glu973fs; shifts the reading frame from glutamic acid 973.
Molecular consequence: frameshift variant. On other transcripts: intron variant (31).
Genome position (GRCh38, 1-based): chr16:2,077,676-2,077,682, CGAGGCC deleted; deleting any 7 consecutive bases within chr16:2,077,675-2,077,682 gives the same sequence; the c. name uses the placement nearest the transcript's 3' end. VCF-style (leftmost placement, unchanged base first): chr16-2077674-GCCGAGGC-G. GRCh37 (hg19) VCF-style: chr16-2127675-GCCGAGGC-G.
Other names: c.2916_2922del, p.Glu973fs (NM_001114382.3, NM_001406663.1, NM_001406664.1); c.2805_2811del, p.Glu936fs (NM_001406670.1); c.2769_2775del, p.Glu924fs (NM_001406675.1, NM_001406676.1); c.2316_2322del, p.Glu773fs (NM_001406680.1, NM_001406682.1, NM_001406683.1 and 1 more transcripts); c.1572_1578del, p.Glu525fs (NM_001406689.1); c.1493+1091_1493+1097del (NM_001406693.1, NM_001406690.1, NM_001406692.1 and 5 more transcripts); c.2927+1091_2927+1097del (NM_001406667.1, NM_001406668.1); c.2237+1091_2237+1097del (NM_001406687.1, NM_001406685.1, NM_001318831.2 and 2 more transcripts); and 8 more; short protein forms E973fs, E924fs, E773fs, E525fs, E936fs.
Identifiers: ClinVar variation 4192122 (VCV004192122.1).
Genomic context (GRCh38, chr16:2,077,674, plus strand): 5'-CCCCCCAAACAAGGCTTGAATAACTCTCCACCCGTGAAAGAATTCAAGGAGAGCTCTGCA[GCCGAGGC>G]CTTCCGGTGCCGCAGCATCAGTGTGTCTGAACATGTGGTCCGCAGGTAGCGGGACTGTCG-3'

ClinVar aggregate classification (germline): Uncertain significance (1 of 4 stars; one submission).

Conditions:
Hereditary cancer-predisposing syndrome. Also called: Neoplastic Syndromes, Hereditary; Tumor predisposition; Hereditary Cancer Syndrome; Hereditary neoplastic syndrome. Identifiers: Orphanet 140162, MedGen C0027672, MeSH D009386, MONDO:0015356.

Submission:

Ambry Genetics
Classification: Uncertain significance for Hereditary cancer-predisposing syndrome. Last evaluated: 2025-06-26. Review status: criteria provided, single submitter. Criteria: Ambry Variant Classification Scheme 2023. Collection method: clinical testing. Allele origin: germline.
Comment: The c.2916_2922delCGAGGCC variant, located in coding exon 25 of the TSC2 gene, results from a deletion of 7 nucleotides at nucleotide positions 2916 to 2922, causing a translational frameshift with a predicted alternate stop codon (p.E973Sfs*41). This alteration is expected to result in loss of function by premature protein truncation or nonsense-mediated mRNA decay; however, this variant occurs in an exon that is excluded in biologically relevant transcripts (Ekong R et al. Hum. Mutat., 2016 Apr;37:364-70). Since supporting evidence is limited at this time, the clinical significance of this alteration remains unclear.